The following is an entry in ClinVar:

NM_024915.4(GRHL2):c.651C>T (p.Ser217=)

Gene: GRHL2 (grainyhead like transcription factor 2; plus strand). Cytogenetic location: 8q22.3.
Variant type: single nucleotide variant.
Coding change: c.651C>T on transcript NM_024915.4 (MANE Select); coding-DNA position 651, C replaced by T.
Protein change: p.Ser217=; no amino-acid change (serine 217 retained).
Molecular consequence: synonymous variant.
Genome position (GRCh38, 1-based): chr8:101,558,785, C>T. VCF-style: chr8-101558785-C-T. GRCh37 (hg19) VCF-style: chr8-102571013-C-T.
Other names: p.Ser217=; c.603C>T, p.Ser201= (NM_001330593.2).
Identifiers: ClinVar variation 46220 (VCV000046220.17), dbSNP rs34332949, ClinGen allele CA137899.

ClinVar aggregate classification (germline): Benign. Review status: criteria provided, multiple submitters, no conflicts (2 of 4 stars). 6 submissions from 6 submitters: Benign (6). Last evaluated 2025-12-26.

Allele frequency attached by ClinVar (database versions not stated): gnomAD 0.01256 and 0.01341; TOPMed 0.01382; ESP Exome Variant Server 0.01476; 1000 Genomes Project 0.01597; ExAC 0.00383; gnomAD exomes 0.00313; 1000 Genomes Project 30x 0.01733.
gnomAD v4.1: 3,708 of 1,614,042 alleles (0.23%); highest among the groups gnomAD compares: African/African-American, 4.4%; 85 homozygotes.

Submissions (20):

Labcorp Genetics (formerly Invitae), Labcorp
Classification: Benign. Last evaluated: 2025-12-26. Review status: criteria provided, single submitter. Criteria: Invitae Variant Classification Sherloc (09022015). Collection method: clinical testing. Allele origin: germline.

Mayo Clinic Laboratories, Mayo Clinic
Classification: Benign. Last evaluated: 2023-01-27. Review status: criteria provided, single submitter. Criteria: ACMG Guidelines, 2015. Collection method: clinical testing. Allele origin: germline. Observed: 1 variant allele.
Comment: BA1, BS1, BS2

GeneDx
Classification: Benign. Last evaluated: 2017-10-09. Review status: criteria provided, single submitter. Criteria: GeneDx Variant Classification (06012015). Collection method: clinical testing. Allele origin: germline. Affected: yes.
Comment: This variant is considered likely benign or benign based on one or more of the following criteria: it is a conservative change, it occurs at a poorly conserved position in the protein, it is predicted to be benign by multiple in silico algorithms, and/or has population frequency not consistent with disease.

Laboratory for Molecular Medicine, Mass General Brigham Personalized Medicine
Classification: Benign. Last evaluated: 2012-05-07. Review status: criteria provided, single submitter. Criteria: LMM Criteria. Collection method: clinical testing. Allele origin: germline. Observed: 14 variant alleles.
Comment: "Ser217Ser in Exon 04 of GRHL2: This variant is not expected to have clinical si gnificance because it does not alter an amino acid residue, is not located withi n the splice consensus sequence, and has been identified in 3.9% (145/3738) of A frican American chromosomes from a broad population by the NHLBI Exome Sequencin g Project (dbSNP rs34332949)."

Breakthrough Genomics
Classification: Benign. Review status: criteria provided, single submitter. Criteria: ACMG Guidelines, 2015. Collection method: not provided. Allele origin: germline. Inheritance: Autosomal recessive inheritance. Affected: yes.

PreventionGenetics, part of Exact Sciences
Classification: Benign. Review status: criteria provided, single submitter. Criteria: ACMG Guidelines, 2015. Collection method: clinical testing. Allele origin: germline.

Dr. Peter K. Rogan Lab, Western University
No classification provided (evidence only). Condition: Clear cell carcinoma of kidney. Review status: no classification provided. Collection method: in vitro. Allele origin: not applicable. Functional consequence: retained intron. Not counted in ClinVar's aggregate classification.

Dr. Peter K. Rogan Lab, Western University
No classification provided (evidence only). Condition: Clear cell carcinoma of kidney. Review status: no classification provided. Collection method: in vitro. Allele origin: not applicable. Functional consequence: retained intron. Not counted in ClinVar's aggregate classification.

Dr. Peter K. Rogan Lab, Western University
No classification provided (evidence only). Condition: Colon adenocarcinoma. Review status: no classification provided. Collection method: in vitro. Allele origin: not applicable. Functional consequence: retained intron. Not counted in ClinVar's aggregate classification.

Dr. Peter K. Rogan Lab, Western University
No classification provided (evidence only). Condition: Thyroid cancer, nonmedullary, 1. Review status: no classification provided. Collection method: in vitro. Allele origin: not applicable. Functional consequence: retained intron. Not counted in ClinVar's aggregate classification.

Dr. Peter K. Rogan Lab, Western University
No classification provided (evidence only). Condition: Uterine corpus endometrial carcinoma. Review status: no classification provided. Collection method: in vitro. Allele origin: not applicable. Functional consequence: retained intron. Not counted in ClinVar's aggregate classification.

Dr. Peter K. Rogan Lab, Western University
No classification provided (evidence only). Condition: Cervical cancer. Review status: no classification provided. Collection method: in vitro. Allele origin: not applicable. Functional consequence: retained intron. Not counted in ClinVar's aggregate classification.

Dr. Peter K. Rogan Lab, Western University
No classification provided (evidence only). Condition: Cervical cancer. Review status: no classification provided. Collection method: in vitro. Allele origin: not applicable. Functional consequence: retained intron. Not counted in ClinVar's aggregate classification.

Dr. Peter K. Rogan Lab, Western University
No classification provided (evidence only). Condition: Cervical cancer. Review status: no classification provided. Collection method: in vitro. Allele origin: not applicable. Functional consequence: skipped exon, retained intron. Not counted in ClinVar's aggregate classification.

Dr. Peter K. Rogan Lab, Western University
No classification provided (evidence only). Condition: Thymoma. Review status: no classification provided. Collection method: in vitro. Allele origin: not applicable. Functional consequence: retained intron. Not counted in ClinVar's aggregate classification.

Dr. Peter K. Rogan Lab, Western University
No classification provided (evidence only). Condition: Ovarian serous cystadenocarcinoma. Review status: no classification provided. Collection method: in vitro. Allele origin: not applicable. Functional consequence: retained intron. Not counted in ClinVar's aggregate classification.

Dr. Peter K. Rogan Lab, Western University
No classification provided (evidence only). Condition: Ovarian serous cystadenocarcinoma. Review status: no classification provided. Collection method: in vitro. Allele origin: not applicable. Functional consequence: retained intron. Not counted in ClinVar's aggregate classification.

Dr. Peter K. Rogan Lab, Western University
No classification provided (evidence only). Condition: Gastric cancer. Review status: no classification provided. Collection method: in vitro. Allele origin: not applicable. Functional consequence: retained intron. Not counted in ClinVar's aggregate classification.

Dr. Peter K. Rogan Lab, Western University
No classification provided (evidence only). Condition: Gastric cancer. Review status: no classification provided. Collection method: in vitro. Allele origin: not applicable. Functional consequence: retained intron. Not counted in ClinVar's aggregate classification.

Dr. Peter K. Rogan Lab, Western University
No classification provided (evidence only). Condition: Malignant tumor of esophagus. Review status: no classification provided. Collection method: in vitro. Allele origin: not applicable. Functional consequence: skipped exon, retained intron. Not counted in ClinVar's aggregate classification.